The following is an entry in ClinVar:

NM_138425.4(C12orf57):c.248G>T (p.Arg83Leu)

Gene: C12orf57 (chromosome 12 open reading frame 57; plus strand). Cytogenetic location: 12p13.31.
Variant type: single nucleotide variant.
Coding change: c.248G>T on transcript NM_138425.4 (MANE Select); coding-DNA position 248, G replaced by T.
Protein change: p.Arg83Leu; replaces arginine 83 with leucine.
Molecular consequence: missense variant. On other transcripts: non-coding transcript variant (1).
Genome position (GRCh38, 1-based): chr12:6,945,789, G>T. VCF-style: chr12-6945789-G-T. GRCh37 (hg19) VCF-style: chr12-7054952-G-T.
Other names: c.248G>T, p.Arg83Leu (NM_001301834.1); c.209G>T, p.Arg70Leu (NM_001301836.2); c.161G>T, p.Arg54Leu (NM_001301837.2); c.143G>T, p.Arg48Leu (NM_001301838.2); short protein forms R48L, R54L, R70L, R83L.
Identifiers: ClinVar variation 1010719 (VCV001010719.9), dbSNP rs781955379, ClinGen allele CA6421338.

ClinVar aggregate classification (germline): Uncertain significance (1 of 4 stars; one submission).

Conditions:
Temtamy syndrome (TEMTYS). Also called: MENTAL RETARDATION WITH OR WITHOUT CRANIOFACIAL DYSMORPHISM, OCULAR COLOBOMA, OR ABNORMAL CORPUS CALLOSUM. Identifiers: Orphanet 1777, MedGen C1857512, MONDO:0009033, OMIM 218340.

Allele frequency attached by ClinVar (database versions not stated): gnomAD exomes below 0.00001; TOPMed below 0.00001; ExAC 0.00001; gnomAD 0.00002.
gnomAD v4.1: 7 of 1,613,656 alleles (0.00043%); highest among the groups gnomAD compares: African/African-American, 0.008%; no homozygotes.

Submission:

Labcorp Genetics (formerly Invitae), Labcorp
Classification: Uncertain significance for Temtamy syndrome. Last evaluated: 2020-05-28. Review status: criteria provided, single submitter. Criteria: Invitae Variant Classification Sherloc (09022015). Collection method: clinical testing. Allele origin: germline.
Comment: In summary, the available evidence is currently insufficient to determine the role of this variant in disease. Therefore, it has been classified as a Variant of Uncertain Significance. Algorithms developed to predict the effect of missense changes on protein structure and function are either unavailable or do not agree on the potential impact of this missense change (SIFT: "Deleterious"; PolyPhen-2: "Probably Damaging"; Align-GVGD: "Class C0"). This variant has not been reported in the literature in individuals with C12orf57-related conditions. This variant is present in population databases (rs781955379, ExAC 0.01%). This sequence change replaces arginine with leucine at codon 83 of the C12orf57 protein (p.Arg83Leu). The arginine residue is highly conserved and there is a moderate physicochemical difference between arginine and leucine.